The following is an entry in ClinVar:

ClinVar aggregate classification (germline): Pathogenic (1 of 4 stars; one submission).

Conditions:
Cardiovascular phenotype. Identifiers: MedGen CN230736.
Hereditary cancer-predisposing syndrome. Also called: Tumor predisposition; Hereditary Cancer Syndrome; Neoplastic Syndromes, Hereditary; Hereditary neoplastic syndrome. Identifiers: Orphanet 140162, MedGen C0027672, MeSH D009386, MONDO:0015356.

Submission:

Ambry Genetics
Classification: Pathogenic for Cardiovascular phenotype; Hereditary cancer-predisposing syndrome. Last evaluated: 2018-08-24. Review status: criteria provided, single submitter. Criteria: Ambry Variant Classification Scheme 2023. Collection method: clinical testing. Allele origin: germline.
Comment: The c.93dupT variant, located in coding exon 2 of the NF1 gene, results from a duplication of T at nucleotide position 93, causing a translational frameshift with a predicted alternate stop codon (p.T32Yfs*6). This alteration is expected to result in loss of function by premature protein truncation or nonsense-mediated mRNA decay. As such, this alteration is interpreted as a disease-causing mutation.

NM_001042492.3(NF1):c.93dup (p.Thr32fs)

Gene: NF1 (neurofibromin 1; plus strand). Cytogenetic location: 17q11.2.
Variant type: Duplication.
Coding change: c.93dup on transcript NM_001042492.3 (MANE Select); coding-DNA position 93, one base duplicated (T; older notation c.93dupT).
Protein change: p.Thr32fs; shifts the reading frame from threonine 32.
Molecular consequence: frameshift variant.
Genome position (GRCh38, 1-based): chr17:31,156,015, T duplicated. VCF-style (leftmost placement, unchanged base first): chr17-31156014-A-AT. GRCh37 (hg19) VCF-style: chr17-29483032-A-AT.
Other names: c.93dupT (NM_000267.3); c.93dup, p.Thr32Tyrfs (NM_000267.4); c.93dup, p.Thr32fs (NM_001128147.3); short protein forms T32fs.
Identifiers: ClinVar variation 823217 (VCV000823217.4), dbSNP rs1597625887, ClinGen allele CA915949691.